The following is an entry in ClinVar:

ClinVar aggregate classification (germline): Uncertain significance (1 of 4 stars; one submission).

Conditions:
Immunodeficiency, common variable, 10. Also called: IMMUNODEFICIENCY, COMMON VARIABLE, WITH CENTRAL ADRENAL INSUFFICIENCY; DEFICIT IN ANTERIOR PITUITARY FUNCTION AND VARIABLE IMMUNODEFICIENCY. Identifiers: MedGen C3809991, MONDO:0014260, OMIM 615577.

Allele frequency attached by ClinVar (database versions not stated): gnomAD exomes below 0.00001.
gnomAD v4.1: 5 of 1,573,288 alleles (0.00032%); highest among the groups gnomAD compares: Non-Finnish European, 0.00043%; no homozygotes.

Submission:

Labcorp Genetics (formerly Invitae), Labcorp
Classification: Uncertain significance for Immunodeficiency, common variable, 10. Last evaluated: 2023-10-03. Review status: criteria provided, single submitter. Criteria: Invitae Variant Classification Sherloc (09022015). Collection method: clinical testing. Allele origin: germline.
Comment: This sequence change replaces glutamic acid, which is acidic and polar, with glycine, which is neutral and non-polar, at codon 833 of the NFKB2 protein (p.Glu833Gly). This variant is present in population databases (no rsID available, gnomAD 0.007%). This variant has not been reported in the literature in individuals affected with NFKB2-related conditions. ClinVar contains an entry for this variant (Variation ID: 1360865). Algorithms developed to predict the effect of missense changes on protein structure and function output the following: SIFT: "Not Available"; PolyPhen-2: "Benign"; Align-GVGD: "Not Available". The glycine amino acid residue is found in multiple mammalian species, which suggests that this missense change does not adversely affect protein function. In summary, the available evidence is currently insufficient to determine the role of this variant in disease. Therefore, it has been classified as a Variant of Uncertain Significance.

NM_001322934.2(NFKB2):c.2498A>G (p.Glu833Gly)

Gene: NFKB2 (nuclear factor kappa B subunit 2; plus strand). Cytogenetic location: 10q24.32.
Variant type: single nucleotide variant.
Coding change: c.2498A>G on transcript NM_001322934.2 (MANE Select); coding-DNA position 2498, A replaced by G.
Protein change: p.Glu833Gly; replaces glutamic acid 833 with glycine.
Molecular consequence: missense variant.
Genome position (GRCh38, 1-based): chr10:102,402,079, A>G. VCF-style: chr10-102402079-A-G. GRCh37 (hg19) VCF-style: chr10-104161836-A-G.
Other names: c.2498A>G, p.Glu833Gly (NM_001077494.3, NM_001261403.3, NM_001288724.1 and 1 more transcripts); c.2372A>G, p.Glu791Gly (NM_001322935.1); short protein forms E833G, E791G.
Identifiers: ClinVar variation 1360865 (VCV001360865.8), dbSNP rs1260304888, ClinGen allele CA377906066.